The following is an entry in ClinVar:

ClinVar aggregate classification (germline): Uncertain significance (1 of 4 stars; one submission).

gnomAD v4.1: 2 of 1,598,748 alleles (0.00013%); highest among the groups gnomAD compares: Non-Finnish European, 0.000085%; no homozygotes.

Submission:

Ambry Genetics
Classification: Uncertain significance. Last evaluated: 2026-07-24. Review status: criteria provided, single submitter. Criteria: Ambry Variant Classification Scheme 2023. Collection method: clinical testing. Allele origin: germline.
Comment: The p.T749I variant (also known as c.2246C>T), located in coding exon 4 of the CDK12 gene, results from a C to T substitution at nucleotide position 2246. The threonine at codon 749 is replaced by isoleucine, an amino acid with similar properties. This amino acid position is conserved. In addition, this alteration is predicted to be deleterious by in silico analysis. Based on the available evidence, the clinical significance of this variant remains unclear.

NM_016507.4(CDK12):c.2246C>T (p.Thr749Ile)

Gene: CDK12 (cyclin dependent kinase 12; plus strand). Cytogenetic location: 17q12.
Variant type: single nucleotide variant.
Coding change: c.2246C>T on transcript NM_016507.4 (MANE Select); coding-DNA position 2246, C replaced by T.
Protein change: p.Thr749Ile; replaces threonine 749 with isoleucine.
Molecular consequence: missense variant.
Genome position (GRCh38, 1-based): chr17:39,492,888, C>T. VCF-style: chr17-39492888-C-T. GRCh37 (hg19) VCF-style: chr17-37649141-C-T.
Other names: c.2246C>T, p.Thr749Ile (NM_015083.4); short protein forms T749I.
Identifiers: ClinVar variation 5034111 (VCV005034111.1).